The following is an entry in ClinVar:

NM_014639.4(SKIC3):c.2343C>A (p.Asp781Glu)

Gene: SKIC3 (SKI3 subunit of superkiller complex; minus strand). Cytogenetic location: 5q15.
Variant type: single nucleotide variant.
Coding change: c.2343C>A on transcript NM_014639.4 (MANE Select); coding-DNA position 2343, C replaced by A.
Protein change: p.Asp781Glu; replaces aspartic acid 781 with glutamic acid.
Molecular consequence: missense variant.
Genome position (GRCh38, 1-based): chr5:95,517,009, G>T on the plus strand (C>A on the coding strand, the complement: SKIC3 is on the minus strand). VCF-style: chr5-95517009-G-T. GRCh37 (hg19) VCF-style: chr5-94852713-G-T.
Other names: short protein forms D781E.
Identifiers: ClinVar variation 2505932 (VCV002505932.3), dbSNP rs183511427, ClinGen allele CA3347105.
Genomic context (GRCh38, chr5:95,517,009, plus strand): 5'-ATTCATGTTGCTGCCTGTTTCTGCTAGATGTTGTGCTTGGCGATAATAATTAATTCCAAG[G>T]TCACACCATGTATTAGATGTAGACATCAGTTTTAATGCACGACCATAACACCTACGGGAA-3'
Protein context (NP_055454.1, residues 771-791): KLMSTSNTWC[Asp781Glu]LGINYYRQAQ

ClinVar aggregate classification (germline): Uncertain significance. Review status: criteria provided, multiple submitters, no conflicts (2 of 4 stars). 2 submissions from 2 submitters: Uncertain significance (2). Last evaluated 2023-08-02.

Conditions:
Inborn genetic diseases. Identifiers: MedGen C0950123, MeSH D030342.

Allele frequency attached by ClinVar (database versions not stated): gnomAD exomes 0.00003; gnomAD 0.00005; TOPMed 0.00006; ExAC 0.00012; 1000 Genomes Project 30x 0.00016; 1000 Genomes Project 0.00020.
gnomAD v4.1: 59 of 1,613,506 alleles (0.0037%); highest among the groups gnomAD compares: East Asian, 0.094%; no homozygotes.

Submissions (2):

Ambry Genetics
Classification: Uncertain significance for Inborn genetic diseases. Last evaluated: 2023-08-02. Review status: criteria provided, single submitter. Criteria: Ambry Variant Classification Scheme 2023. Collection method: clinical testing. Allele origin: germline.

GeneDx
Classification: Uncertain significance. Last evaluated: 2022-12-16. Review status: criteria provided, single submitter. Criteria: GeneDx Variant Classification Process June 2021. Collection method: clinical testing. Allele origin: germline. Affected: yes.
Comment: In silico analysis supports that this missense variant has a deleterious effect on protein structure/function; Has not been previously published as pathogenic or benign to our knowledge